The following is an entry in ClinVar:

NM_138711.6(PPARG):c.736G>A (p.Val246Ile)

Gene: PPARG (peroxisome proliferator activated receptor gamma; plus strand). Cytogenetic location: 3p25.2.
Variant type: single nucleotide variant.
Coding change: c.736G>A on transcript NM_138711.6 (MANE Select); coding-DNA position 736, G replaced by A.
Protein change: p.Val246Ile; replaces valine 246 with isoleucine.
Molecular consequence: missense variant. On other transcripts: intron variant (5).
Genome position (GRCh38, 1-based): chr3:12,416,710, G>A. VCF-style: chr3-12416710-G-A. GRCh37 (hg19) VCF-style: chr3-12458209-G-A.
Other names: c.736G>A, p.Val246Ile (NM_001354666.3, NM_001354667.3, NM_001374263.2 and 3 more transcripts); c.109G>A, p.Val37Ile (NM_001354669.2); c.826G>A, p.Val276Ile (NM_015869.5); c.729+10629G>A (NM_001374261.3, NM_001374262.3, NM_001330615.4); c.653+10711G>A (NM_001374266.1); c.819+10629G>A (NM_001374265.1); short protein forms V246I, V276I, V37I.
Identifiers: ClinVar variation 2634217 (VCV002634217.6), dbSNP rs147996578, ClinGen allele CA2258279.

ClinVar aggregate classification (germline): Conflicting classifications of pathogenicity. Review status: criteria provided, conflicting classifications (1 of 4 stars). 2 submissions from 2 submitters: Uncertain significance (1); Likely benign (1). Last evaluated 2026-08-21.

Conditions:
PPARG-related disorder. Also called: PPARG-related condition; PPARG-related disorders.

Allele frequency attached by ClinVar (database versions not stated): gnomAD exomes 0.00002; ExAC 0.00012; 1000 Genomes Project 30x 0.00016; 1000 Genomes Project 0.00020; TOPMed 0.00020; ESP Exome Variant Server 0.00023; gnomAD 0.00025.
gnomAD v4.1: 65 of 1,613,436 alleles (0.004%); highest among the groups gnomAD compares: African/African-American, 0.069%; no homozygotes.

Submissions (2):

PreventionGenetics, part of Exact Sciences
Classification: Uncertain significance for PPARG-related condition. Last evaluated: 2026-08-21. Review status: criteria provided, single submitter. Criteria: ACMG Guidelines, 2015. Collection method: clinical testing. Allele origin: germline.
Comment: The PPARG c.826G>A variant is predicted to result in the amino acid substitution p.Val276Ile. This variant has been reported in cases and controls in a study of type 2 diabetes (Majithia et al. 2014. PubMed ID: 25157153) and in cases and controls in studies of patients with severe hypertriglyceridemia (described as p.Val248Ile in Table S2, Deshotels et al. 2022. PubMed ID: 36325899; Mendes et al. 2024. PubMed ID: 38933898). Additionally, this variant was described in a cohort of individuals with schizophrenia (Wada et al. 2020. PubMed ID: 33279456). This variant is reported in 0.080% of alleles in individuals of African descent in gnomAD, which may be too frequent to be a primary cause of disease. Although we suspect that c.826G>A may be benign, the clinical significance of this variant is currently classified as uncertain due to the absence of conclusive functional and genetic evidence.

Labcorp Genetics (formerly Invitae), Labcorp
Classification: Likely benign. Last evaluated: 2024-03-26. Review status: criteria provided, single submitter. Criteria: Invitae Variant Classification Sherloc (09022015). Collection method: clinical testing. Allele origin: germline.